The following is an entry in ClinVar:

ClinVar aggregate classification (germline): Pathogenic/Likely pathogenic. Review status: criteria provided, multiple submitters, no conflicts (2 of 4 stars). 2 submissions from 2 submitters: Pathogenic (1); Likely pathogenic (1). Last evaluated 2026-03-19.

Conditions:
Charcot-Marie-Tooth disease type 2. Also called: Charcot-Marie-Tooth type 2. Identifiers: Orphanet 64746, MedGen C0270914, MONDO:0018993.

Allele frequency attached by ClinVar (database versions not stated): gnomAD exomes below 0.00001; TOPMed 0.00001; ExAC 0.00001.
gnomAD v4.1: 5 of 1,613,976 alleles (0.00031%); highest among the groups gnomAD compares: Admixed American, 0.0017%; no homozygotes.

Submissions (2):

Dasa
Classification: Likely pathogenic. Last evaluated: 2026-03-19. Review status: criteria provided, single submitter. Criteria: DASA Assertion Criteria. Collection method: clinical testing. Allele origin: germline.
Comment: NM_001605.3(AARS):c.1792C>T (p.Arg598*) is a nonsense variant in AARS predicted to introduce a premature termination codon and is predicted to result in an absent or altered protein product. Loss of function is an established disease mechanism for AARS-associated disorders. Also, this variant is rare in population databases. Based on the currently available evidence, this variant is classified as likely pathogenic.

Labcorp Genetics (formerly Invitae), Labcorp
Classification: Pathogenic for Charcot-Marie-Tooth disease type 2. Last evaluated: 2024-09-06. Review status: criteria provided, single submitter. Criteria: Invitae Variant Classification Sherloc (09022015). Collection method: clinical testing. Allele origin: germline.
Comment: This sequence change creates a premature translational stop signal (p.Arg598*) in the AARS gene. It is expected to result in an absent or disrupted protein product. Loss-of-function variants in AARS are known to be pathogenic (PMID: 25817015, 28493438, 34446925). This variant is present in population databases (rs752548366, gnomAD 0.003%). This variant has not been reported in the literature in individuals affected with AARS-related conditions. ClinVar contains an entry for this variant (Variation ID: 1682195). For these reasons, this variant has been classified as Pathogenic.

Literature cited by the submitters: PubMed 25817015 (cited by Labcorp Genetics (formerly Invitae), Labcorp); PubMed 28493438 (cited by Labcorp Genetics (formerly Invitae), Labcorp); PubMed 34446925 (cited by Labcorp Genetics (formerly Invitae), Labcorp).

NM_001605.3(AARS1):c.1792C>T (p.Arg598Ter)

Gene: AARS1 (alanyl-tRNA synthetase 1; minus strand). Cytogenetic location: 16q22.1.
Variant type: single nucleotide variant.
Coding change: c.1792C>T on transcript NM_001605.3 (MANE Select); coding-DNA position 1792, C replaced by T.
Protein change: p.Arg598Ter; replaces arginine 598 with a stop codon.
Molecular consequence: nonsense.
Genome position (GRCh38, 1-based): chr16:70,259,180, G>A on the plus strand (C>T on the coding strand, the complement: AARS1 is on the minus strand). VCF-style: chr16-70259180-G-A. GRCh37 (hg19) VCF-style: chr16-70293083-G-A.
Other names: short protein forms R598*.
Identifiers: ClinVar variation 1682195 (VCV001682195.8), dbSNP rs752548366, ClinGen allele CA8140662.